The following is an entry in ClinVar:

NM_004168.4(SDHA):c.67C>G (p.Pro23Ala)

Gene: SDHA (succinate dehydrogenase complex flavoprotein subunit A; plus strand). Cytogenetic location: 5p15.33.
Variant type: single nucleotide variant.
Coding change: c.67C>G on transcript NM_004168.4 (MANE Select); coding-DNA position 67, C replaced by G.
Protein change: p.Pro23Ala; replaces proline 23 with alanine.
Molecular consequence: missense variant.
Genome position (GRCh38, 1-based): chr5:223,485, C>G. VCF-style: chr5-223485-C-G. GRCh37 (hg19) VCF-style: chr5-223600-C-G.
Other names: c.67C>G, p.Pro23Ala (NM_001294332.2, NM_001330758.2); short protein forms P23A.
Identifiers: ClinVar variation 1755504 (VCV001755504.2), dbSNP rs2477279891, ClinGen allele CA359008068.
Genomic context (GRCh38, chr5:223,485, plus strand): 5'-CAGCATTTGTTCCTTCAGGACACTAACCCTCTGGATCTGTGTCTTCTGTGTCTCCAGTGG[C>G]CAACAGTGTTGCAAACAGGAACCCGAGGTTTTCACTTCACTGTTGATGGGAACAAGAGGG-3'
Protein context (NP_004159.2, residues 13-33): ARRLALAKAW[Pro23Ala]TVLQTGTRGF

ClinVar aggregate classification (germline): Uncertain significance (1 of 4 stars; one submission).

Conditions:
Hereditary cancer-predisposing syndrome. Also called: Neoplastic Syndromes, Hereditary; Tumor predisposition; Hereditary Cancer Syndrome; Hereditary neoplastic syndrome. Identifiers: Orphanet 140162, MedGen C0027672, MeSH D009386, MONDO:0015356.

Submission:

Ambry Genetics
Classification: Uncertain significance for Hereditary cancer-predisposing syndrome. Last evaluated: 2022-07-15. Review status: criteria provided, single submitter. Criteria: Ambry Variant Classification Scheme 2023. Collection method: clinical testing. Allele origin: germline.
Comment: The p.P23A variant (also known as c.67C>G), located in coding exon 2 of the SDHA gene, results from a C to G substitution at nucleotide position 67. The proline at codon 23 is replaced by alanine, an amino acid with highly similar properties. This amino acid position is conserved. In addition, this alteration is predicted to be tolerated by in silico analysis. Since supporting evidence is limited at this time, the clinical significance of this alteration remains unclear.